The following is an entry in ClinVar:

ClinVar aggregate classification (germline): Uncertain significance. Review status: criteria provided, multiple submitters, no conflicts (2 of 4 stars). 2 submissions from 2 submitters: Uncertain significance (2). Last evaluated 2022-06-26.

Conditions:
Hereditary cancer-predisposing syndrome. Also called: Neoplastic Syndromes, Hereditary; Tumor predisposition; Hereditary Cancer Syndrome; Hereditary neoplastic syndrome. Identifiers: Orphanet 140162, MedGen C0027672, MeSH D009386, MONDO:0015356.
Renal cell carcinoma. Identifiers: Orphanet 217071, MedGen C0007134, MeSH D002292, MONDO:0005086, HP:0005584.

Allele frequency attached by ClinVar (database versions not stated): gnomAD exomes below 0.00001.
gnomAD v4.1: 1 of 1,614,102 alleles (0.000062%); highest among the groups gnomAD compares: Non-Finnish European, 0.000085%; no homozygotes.

Submissions (2):

Labcorp Genetics (formerly Invitae), Labcorp
Classification: Uncertain significance for Renal cell carcinoma. Last evaluated: 2022-06-26. Review status: criteria provided, single submitter. Criteria: Invitae Variant Classification Sherloc (09022015). Collection method: clinical testing. Allele origin: germline.
Comment: In summary, the available evidence is currently insufficient to determine the role of this variant in disease. Therefore, it has been classified as a Variant of Uncertain Significance. Algorithms developed to predict the effect of missense changes on protein structure and function are either unavailable or do not agree on the potential impact of this missense change (SIFT: "Deleterious"; PolyPhen-2: "Probably Damaging"; Align-GVGD: "Class C15"). This variant has not been reported in the literature in individuals affected with MET-related conditions. This variant is not present in population databases (gnomAD no frequency). This sequence change replaces aspartic acid, which is acidic and polar, with tyrosine, which is neutral and polar, at codon 1309 of the MET protein (p.Asp1309Tyr).

Ambry Genetics
Classification: Uncertain significance for Hereditary cancer-predisposing syndrome. Last evaluated: 2022-05-29. Review status: criteria provided, single submitter. Criteria: Ambry Variant Classification Scheme 2023. Collection method: clinical testing. Allele origin: germline.
Comment: The p.D1309Y variant (also known as c.3925G>T), located in coding exon 19 of the MET gene, results from a G to T substitution at nucleotide position 3925. The aspartic acid at codon 1309 is replaced by tyrosine, an amino acid with highly dissimilar properties. This amino acid position is conserved. In addition, this alteration is predicted to be deleterious by in silico analysis. Since supporting evidence is limited at this time, the clinical significance of this alteration remains unclear.

NM_000245.4(MET):c.3871G>T (p.Asp1291Tyr)

Gene: MET (MET proto-oncogene, receptor tyrosine kinase; plus strand). Cytogenetic location: 7q31.2.
Variant type: single nucleotide variant.
Coding change: c.3871G>T on transcript NM_000245.4 (MANE Select); coding-DNA position 3871, G replaced by T.
Protein change: p.Asp1291Tyr; replaces aspartic acid 1291 with tyrosine.
Molecular consequence: missense variant.
Genome position (GRCh38, 1-based): chr7:116,795,727, G>T. VCF-style: chr7-116795727-G-T. GRCh37 (hg19) VCF-style: chr7-116435781-G-T.
Other names: c.3925G>T, p.Asp1309Tyr (NM_001127500.3); c.2581G>T, p.Asp861Tyr (NM_001324402.2); short protein forms D1309Y, D861Y, D1291Y.
Identifiers: ClinVar variation 1736226 (VCV001736226.7), dbSNP rs2117108335, ClinGen allele CA369117880.